The following is an entry in ClinVar:

NM_000256.3(MYBPC3):c.230G>A (p.Gly77Glu)

Gene: MYBPC3 (myosin binding protein C3; minus strand). Cytogenetic location: 11p11.2.
Variant type: single nucleotide variant.
Coding change: c.230G>A on transcript NM_000256.3 (MANE Select); coding-DNA position 230, G replaced by A.
Protein change: p.Gly77Glu; replaces glycine 77 with glutamic acid.
Molecular consequence: missense variant.
Genome position (GRCh38, 1-based): chr11:47,351,301, C>T on the plus strand (G>A on the coding strand, the complement: MYBPC3 is on the minus strand). VCF-style: chr11-47351301-C-T. GRCh37 (hg19) VCF-style: chr11-47372852-C-T.
Other names: p.G77E:GGA>GAA; c.230G>A, p.Gly77Glu (LRG_386t1); short protein forms G77E.
Identifiers: ClinVar variation 180989 (VCV000180989.3), dbSNP rs730880580, ClinGen allele CA012059.

ClinVar aggregate classification (germline): Conflicting classifications of pathogenicity. Review status: criteria provided, conflicting classifications (1 of 4 stars). 2 submissions from 2 submitters: Likely pathogenic (1); Uncertain significance (1). Last evaluated 2023-06-26.

Conditions:
Hypertrophic cardiomyopathy. Also called: HYPERTROPHIC MYOCARDIOPATHY. Identifiers: Orphanet 217569, MedGen C0007194, MeSH D002312, MONDO:0005045, HP:0001639.

Submissions (2):

All of Us Research Program, National Institutes of Health
Classification: Uncertain significance for Hypertrophic cardiomyopathy. Last evaluated: 2023-06-26. Review status: criteria provided, single submitter. Criteria: ACMG Guidelines, 2015. Collection method: clinical testing. Allele origin: germline. Inheritance: Autosomal dominant inheritance. Observed: 1 variant allele, 1 heterozygote.
Comment: This missense variant replaces glycine with glutamic acid at codon 77 of the MYBPC3 protein. Computational prediction suggests that this variant may not impact protein structure and function (internally defined REVEL score threshold <= 0.5, PMID: 27666373). To our knowledge, functional studies have not been reported for this variant. This variant has not been reported in individuals affected with cardiovascular disorders in the literature. This variant has not been identified in the general population by the Genome Aggregation Database (gnomAD). The available evidence is insufficient to determine the role of this variant in disease conclusively. Therefore, this variant is classified as a Variant of Uncertain Significance.

This study involves interpretation of variants in research participants for the purpose of population health screening. Participant phenotype was not available at the time of variant classification. Additional details can be found in publication PMID: 35346344, PMCID: PMC8962531

GeneDx
Classification: Likely pathogenic. Last evaluated: 2013-05-23. Review status: criteria provided, single submitter. Criteria: GeneDx Variant Classification (06012015). Collection method: clinical testing. Allele origin: germline. Affected: yes.
Comment: This variant is denoted p.Gly77Glu (GGA>GAA): c.230 G>A in exon 2 of the MYBPC3 gene (NM_000256.3). The Gly77Glu variant in the MYBPC3 gene has not been reported as a disease-causing mutation or as a benign polymorphism to our knowledge. Gly77Glu results in a non-conservative amino acid substitution of non-polar Glycine with a negatively-charged Glutamic Acid at a position that is conserved in mammals. In silico algorithms are not consistent in their predictions but at least two concur that Gly77Glu is damaging to the protein structure/function. Mutations in nearby residues (Asp75Asn, Gly84Asp) have been reported in association with cardiomyopathy, further supporting the functional importance of this region of the protein. Gly77Glu was not observed in approximately 6500 individuals of European and African American ancestry in the NHLBI Exome Sequencing Project, indicating it is not a common benign variant in these populations. In summary, Gly77Glu in the MYBPC3 gene is a good candidate for a disease-causing mutation. The variant is found in HCM panel(s).